The following is an entry in ClinVar:

NM_173354.5(SIK1):c.1461A>G (p.Pro487=)

Gene: SIK1 (salt inducible kinase 1; minus strand). Cytogenetic location: 21q22.3.
Variant type: single nucleotide variant.
Coding change: c.1461A>G on transcript NM_173354.5 (MANE Select); coding-DNA position 1461, A replaced by G.
Protein change: p.Pro487=; no amino-acid change (proline 487 retained).
Molecular consequence: synonymous variant.
Genome position (GRCh38, 1-based): chr21:43,419,022, T>C on the plus strand (A>G on the coding strand, the complement: SIK1 is on the minus strand). VCF-style: chr21-43419022-T-C. GRCh37 (hg19) VCF-style: chr21-44838902-T-C.
Identifiers: ClinVar variation 1957698 (VCV001957698.5), dbSNP rs201561198, ClinGen allele CA749586187.

ClinVar aggregate classification (germline): Uncertain significance (1 of 4 stars; one submission).

Conditions:
Developmental and epileptic encephalopathy, 30 (DEE30). Also called: Epileptic encephalopathy, early infantile, 30. Identifiers: MedGen C4225360, MONDO:0014595, OMIM 616341.

Submission:

Labcorp Genetics (formerly Invitae), Labcorp
Classification: Uncertain significance for Developmental and epileptic encephalopathy, 30. Last evaluated: 2022-11-22. Review status: criteria provided, single submitter. Criteria: Invitae Variant Classification Sherloc (09022015). Collection method: clinical testing. Allele origin: germline.
Comment: This sequence change affects codon 487 of the SIK1 mRNA. It is a 'silent' change, meaning that it does not change the encoded amino acid sequence of the SIK1 protein. It affects a nucleotide within the consensus splice site. This variant is present in population databases (no rsID available, gnomAD 0.002%). This variant has not been reported in the literature in individuals affected with SIK1-related conditions. Algorithms developed to predict the effect of sequence changes on RNA splicing suggest that this variant is not likely to affect RNA splicing. In summary, the available evidence is currently insufficient to determine the role of this variant in disease. Therefore, it has been classified as a Variant of Uncertain Significance.